The following is an entry in ClinVar:

NM_000492.4(CFTR):c.2186A>G (p.Asp729Gly)

Gene: CFTR (CF transmembrane conductance regulator; plus strand). Cytogenetic location: 7q31.2.
Variant type: single nucleotide variant.
Coding change: c.2186A>G on transcript NM_000492.4 (MANE Select); coding-DNA position 2186, A replaced by G.
Protein change: p.Asp729Gly; replaces aspartic acid 729 with glycine.
Molecular consequence: missense variant.
Genome position (GRCh38, 1-based): chr7:117,592,353, A>G. VCF-style: chr7-117592353-A-G. GRCh37 (hg19) VCF-style: chr7-117232407-A-G.
Other names: short protein forms D729G.
Identifiers: ClinVar variation 3231851 (VCV003231851.1), dbSNP rs2485110184, ClinGen allele CA368980321.

ClinVar aggregate classification (germline): Uncertain significance (1 of 4 stars; one submission).

Conditions:
Cystic fibrosis (CF). Also called: MUCOVISCIDOSIS. Identifiers: Orphanet 586, MedGen C0010674, MONDO:0009061, OMIM 219700. Disease mechanism: loss of function.

Submission:

Ambry Genetics
Classification: Uncertain significance for Cystic fibrosis. Last evaluated: 2023-10-13. Review status: criteria provided, single submitter. Criteria: Ambry Variant Classification Scheme 2023. Collection method: clinical testing. Allele origin: germline.
Comment: The p.D729G variant (also known as c.2186A>G), located in coding exon 14 of the CFTR gene, results from an A to G substitution at nucleotide position 2186. The aspartic acid at codon 729 is replaced by glycine, an amino acid with similar properties. This amino acid position is conserved. In addition, the in silico prediction for this alteration is inconclusive. Since supporting evidence is limited at this time, the clinical significance of this alteration remains unclear.